The following is an entry in ClinVar:

NM_002218.5(ITIH4):c.1152C>T (p.Thr384=)

Genes: ITIH4 (inter-alpha-trypsin inhibitor heavy chain 4; minus strand), ITIH4-AS1 (ITIH4 antisense RNA 1; plus strand). Cytogenetic location: 3p21.1.
Variant type: single nucleotide variant.
Coding change: c.1152C>T on transcript NM_002218.5 (MANE Select); coding-DNA position 1152, C replaced by T.
Protein change: p.Thr384=; no amino-acid change (threonine 384 retained).
Molecular consequence: synonymous variant. On other transcripts: non-coding transcript variant (1).
Genome position (GRCh38, 1-based): chr3:52,824,209, G>A on the plus strand (C>T on the coding strand, the complement: ITIH4 is on the minus strand). VCF-style: chr3-52824209-G-A. GRCh37 (hg19) VCF-style: chr3-52858225-G-A.
Other names: c.1152C>T, p.Thr384= (NM_001166449.2).
Identifiers: ClinVar variation 3036958 (VCV003036958.2), dbSNP rs753455021, ClinGen allele CA2449461.

ClinVar aggregate classification (germline): Likely benign (0 of 4 stars; one submission).

Conditions:
ITIH4-related disorder. Also called: ITIH4-related condition.

Allele frequency attached by ClinVar (database versions not stated): TOPMed 0.00002; gnomAD 0.00004; ExAC 0.00005.
gnomAD v4.1: 42 of 1,613,402 alleles (0.0026%); highest among the groups gnomAD compares: East Asian, 0.018%; no homozygotes.

Submission:

PreventionGenetics, part of Exact Sciences
Classification: Likely benign for ITIH4-related condition. Last evaluated: 2020-06-11. Review status: no assertion criteria provided. Collection method: clinical testing. Allele origin: germline.
Comment: This variant is classified as likely benign based on ACMG/AMP sequence variant interpretation guidelines (Richards et al. 2015 PMID: 25741868, with internal and published modifications).